The following is an entry in ClinVar:

NM_001042492.3(NF1):c.5521C>A (p.Gln1841Lys)

Gene: NF1 (neurofibromin 1; plus strand). Cytogenetic location: 17q11.2.
Variant type: single nucleotide variant.
Coding change: c.5521C>A on transcript NM_001042492.3 (MANE Select); coding-DNA position 5521, C replaced by A.
Protein change: p.Gln1841Lys; replaces glutamine 1841 with lysine.
Molecular consequence: missense variant.
Genome position (GRCh38, 1-based): chr17:31,327,751, C>A. VCF-style: chr17-31327751-C-A. GRCh37 (hg19) VCF-style: chr17-29654769-C-A.
Other names: c.5458C>A, p.Gln1820Lys (NM_000267.4); short protein forms Q1820K, Q1841K.
Identifiers: ClinVar variation 187233 (VCV000187233.3), dbSNP rs786203570, ClinGen allele CA197110.
Genomic context (GRCh38, chr17:31,327,751, plus strand): 5'-GTCCAGTCTATCATTCATATCCGGACCCGCTGGGAACTGTCACAGCCCGACTCTATCCCC[C>A]AACACACCAAGATTCGGCCAAAAGATGTCCCTGGGACACTGCTCAATATCGCATTACTTA-3'
Protein context (NP_001035957.1, residues 1831-1851): WELSQPDSIP[Gln1841Lys]HTKIRPKDVP

ClinVar aggregate classification (germline): Uncertain significance (1 of 4 stars; one submission).

Conditions:
Hereditary cancer-predisposing syndrome. Also called: Neoplastic Syndromes, Hereditary; Tumor predisposition; Hereditary Cancer Syndrome; Hereditary neoplastic syndrome. Identifiers: Orphanet 140162, MedGen C0027672, MeSH D009386, MONDO:0015356.

Submission:

Ambry Genetics
Classification: Uncertain significance for Hereditary cancer-predisposing syndrome. Last evaluated: 2014-11-25. Review status: criteria provided, single submitter. Criteria: Ambry Autosomal Dominant and X-Linked criteria (10/2015). Collection method: clinical testing. Allele origin: germline. Observed: 1 variant allele.
Comment: Thep.Q1841Kvariant (also known as c.5521C>A), located in coding exon 38 of theNF1gene, results from a C to A substitution at nucleotide position 5521. The glutamine at codon 1841 is replaced by lysine, an amino acid with similar properties. This variant was not reported in population based cohorts in the following databases: Database of Single Nucleotide Polymorphisms (dbSNP), NHLBI Exome Sequencing Project (ESP), and 1000 Genomes Project. In the ESP, this variant was not observed in 6503 samples (13006 alleles) with coverage at this position. To date, this alteration has been detected with an allele frequency of approximately 0.01% (greater than 11000 alleles tested) in our clinical cohort. This amino acid position is highly conserved in available vertebrate species. In addition, this alteration is predicted to be deleterious by in silico analysis. Since supporting evidence is limited at this time, the clinical significance of p.Q1841K remains unclear.